The following is an entry in ClinVar:

ClinVar aggregate classification (germline): Conflicting classifications of pathogenicity. Review status: criteria provided, conflicting classifications (1 of 4 stars). 2 submissions from 2 submitters: Uncertain significance (1); Likely benign (1). Last evaluated 2024-09-20.

Conditions:
Cardiac anomalies - developmental delay - facial dysmorphism syndrome (MRFACD). Also called: Impaired intellectual development and distinctive facial features with or without cardiac defects; MED13L Syndrome. Identifiers: Orphanet 369891, MedGen C5192431, MONDO:0014773, OMIM 616789.
Dextro-looped transposition of the great arteries. Also called: Dextrotransposition of the great arteries. Identifiers: Orphanet 860, MedGen C3531771, MONDO:0019443, OMIM 608808, HP:0031348.

Submissions (2):

3billion
Classification: Likely benign for Cardiac anomalies - developmental delay - facial dysmorphism syndrome. Last evaluated: 2024-09-20. Review status: criteria provided, single submitter. Criteria: ACMG Guidelines, 2015. Collection method: clinical testing. Allele origin: germline. Affected: no.
Comment: The variant was identified in at least one patient who was diagnosed with a different variant in another gene and showed no symptoms related to the gene containing the variant in question.

Labcorp Genetics (formerly Invitae), Labcorp
Classification: Uncertain significance for Dextro-looped transposition of the great arteries. Last evaluated: 2024-08-12. Review status: criteria provided, single submitter. Criteria: Invitae Variant Classification Sherloc (09022015). Collection method: clinical testing. Allele origin: germline.
Comment: This sequence change replaces glutamic acid, which is acidic and polar, with aspartic acid, which is acidic and polar, at codon 1651 of the MED13L protein (p.Glu1651Asp). This variant is not present in population databases (gnomAD no frequency). This variant has not been reported in the literature in individuals affected with MED13L-related conditions. ClinVar contains an entry for this variant (Variation ID: 2096582). An algorithm developed to predict the effect of missense changes on protein structure and function outputs the following: PolyPhen-2: "Benign". The aspartic acid amino acid residue is found in multiple mammalian species, which suggests that this missense change does not adversely affect protein function. In summary, the available evidence is currently insufficient to determine the role of this variant in disease. Therefore, it has been classified as a Variant of Uncertain Significance.

NM_015335.5(MED13L):c.4953G>T (p.Glu1651Asp)

Gene: MED13L (mediator complex subunit 13L; minus strand). Cytogenetic location: 12q24.21.
Variant type: single nucleotide variant.
Coding change: c.4953G>T on transcript NM_015335.5 (MANE Select); coding-DNA position 4953, G replaced by T.
Protein change: p.Glu1651Asp; replaces glutamic acid 1651 with aspartic acid.
Molecular consequence: missense variant.
Genome position (GRCh38, 1-based): chr12:115,983,119, C>A on the plus strand (G>T on the coding strand, the complement: MED13L is on the minus strand). VCF-style: chr12-115983119-C-A. GRCh37 (hg19) VCF-style: chr12-116420924-C-A.
Other names: short protein forms E1651D.
Identifiers: ClinVar variation 2096582 (VCV002096582.5), dbSNP rs779112405, ClinGen allele CA386882413.